The following is an entry in ClinVar:

ClinVar aggregate classification (germline): Uncertain significance (1 of 4 stars; one submission).

Submission:

Labcorp Genetics (formerly Invitae), Labcorp
Classification: Uncertain significance. Last evaluated: 2025-07-13. Review status: criteria provided, single submitter. Criteria: Invitae Variant Classification Sherloc (09022015). Collection method: clinical testing. Allele origin: germline.
Comment: This variant, c.2880_2882del, results in the deletion of 1 amino acid(s) of the CTR9 protein (p.Arg962del), but otherwise preserves the integrity of the reading frame. This variant is present in population databases (no rsID available, gnomAD 0.003%). This variant has not been reported in the literature in individuals affected with CTR9-related conditions. Experimental studies and prediction algorithms are not available or were not evaluated, and the functional significance of this variant is currently unknown. In summary, the available evidence is currently insufficient to determine the role of this variant in disease. Therefore, it has been classified as a Variant of Uncertain Significance.

NM_014633.5(CTR9):c.2877GAG[1] (p.Arg962del)

Gene: CTR9 (CTR9 component of Paf1/RNA polymerase II complex; plus strand). Cytogenetic location: 11p15.4.
Variant type: Microsatellite.
Coding change: c.2877GAG[1] on transcript NM_014633.5 (MANE Select); one copy of the 3-base unit GAG starting at c.2877; the reference has two copies in a row; one copy, 3 bases deleted.
Protein change: p.Arg962del; deletes arginine 962.
Molecular consequence: inframe deletion.
Genome position (GRCh38, 1-based): chr11:10,774,164-10,774,166, GAG deleted; deleting any 3 consecutive bases within chr11:10,774,161-10,774,166 gives the same sequence; the position shown is the placement nearest the transcript's 3' end. VCF-style (leftmost placement, unchanged base first): chr11-10774160-AGAG-A. GRCh37 (hg19) VCF-style: chr11-10795707-AGAG-A.
Other names: c.2805GAG[1], p.Arg938del (NM_001346279.2); short protein forms R962del, R938del.
Identifiers: ClinVar variation 4754559 (VCV004754559.1).